The following is an entry in ClinVar:

NM_000124.4(ERCC6):c.3983+1del

Gene: ERCC6 (ERCC excision repair 6, chromatin remodeling factor; minus strand). Cytogenetic location: 10q11.23.
Variant type: Deletion.
Coding change: c.3983+1del on transcript NM_000124.4 (MANE Select); the canonical splice donor site of the intron after coding-DNA position 3983, one base deleted (G; older notation c.3983+1delG).
Molecular consequence: splice donor variant.
Genome position (GRCh38, 1-based): chr10:49,461,351, C deleted on the plus strand (G on the coding strand, the reverse complement: ERCC6 is on the minus strand). VCF-style (leftmost placement, unchanged base first): chr10-49461350-AC-A. GRCh37 (hg19) VCF-style: chr10-50669396-AC-A.
Other names: c.3983+1del (NM_001346440.2).
Identifiers: ClinVar variation 5004083 (VCV005004083.1).

ClinVar aggregate classification (germline): Likely pathogenic (1 of 4 stars; one submission).

Conditions:
Cockayne spectrum with or without cerebrooculofacioskeletal syndrome. Identifiers: MedGen CN315928, MONDO:0100506.

Submission:

Myriad Genetics, Inc.
Classification: Likely pathogenic for Cockayne spectrum with or without cerebrooculofacioskeletal syndrome. Last evaluated: 2025-07-28. Review status: criteria provided, single submitter. Criteria: Myriad Autosomal Dominant, Autosomal Recessive and X-Linked Classification Criteria (2023). Collection method: clinical testing. Allele origin: unknown.
Comment: NM_000124.2(ERCC6):c.3983+1delG is a variant in a canonical splice site classified as likely pathogenic in the context of ERCC6-related disorders. c.3983+1delG has not been observed in cases with relevant disease. Relevant functional assessments of this variant are not available in the literature. c.3983+1delG has not been observed in referenced population frequency databases. In summary, NM_000124.2(ERCC6):c.3983+1delG is a variant in a canonical splice site in a gene where loss of function is a known mechanism of disease and is predicted to disrupt protein function. Please note: this variant was assessed in the context of healthy population screening.